The following is an entry in ClinVar:

ClinVar aggregate classification (germline): Uncertain significance (1 of 4 stars; one submission).

Conditions:
Hereditary cancer-predisposing syndrome. Also called: Neoplastic Syndromes, Hereditary; Tumor predisposition; Hereditary neoplastic syndrome; Hereditary Cancer Syndrome. Identifiers: Orphanet 140162, MedGen C0027672, MeSH D009386, MONDO:0015356.

Submission:

Ambry Genetics
Classification: Uncertain significance for Hereditary cancer-predisposing syndrome. Last evaluated: 2026-09-07. Review status: criteria provided, single submitter. Criteria: Ambry Variant Classification Scheme 2023. Collection method: clinical testing. Allele origin: germline.
Comment: The p.S1723A variant (also known as c.5167T>G), located in coding exon 38 of the POLE gene, results from a T to G substitution at nucleotide position 5167. The serine at codon 1723 is replaced by alanine, an amino acid with similar properties. This amino acid position is conserved. In addition, this alteration is predicted to be tolerated by in silico analysis. Based on the available evidence, the clinical significance of this variant remains unclear.

NM_006231.4(POLE):c.5167T>G (p.Ser1723Ala)

Gene: POLE (DNA polymerase epsilon, catalytic subunit; minus strand). Cytogenetic location: 12q24.33.
Variant type: single nucleotide variant.
Coding change: c.5167T>G on transcript NM_006231.4 (MANE Select); coding-DNA position 5167, T replaced by G.
Protein change: p.Ser1723Ala; replaces serine 1723 with alanine.
Molecular consequence: missense variant.
Genome position (GRCh38, 1-based): chr12:132,642,183, A>C on the plus strand (T>G on the coding strand, the complement: POLE is on the minus strand). VCF-style: chr12-132642183-A-C. GRCh37 (hg19) VCF-style: chr12-133218769-A-C.
Other names: short protein forms S1723A.
Identifiers: ClinVar variation 5027138 (VCV005027138.1).
Genomic context (GRCh38, chr12:132,642,183, plus strand): 5'-GAATGGCAGAAACACCAGCCAGGTCTCATGGGCCTCGTCCTCCCGCCCACTTACCTGTGG[A>C]GTAACAGCCTGAACTGTTGATCTCAACAGTGGCTTGGTCATCGAACTCCATGACAAGACA-3'
Protein context (NP_006222.2, residues 1713-1733): TVEINSSGCY[Ser1723Ala]TVCVELDLQN